The following is an entry in ClinVar:

ClinVar aggregate classification (germline): Uncertain significance (1 of 4 stars; one submission).

Submission:

Dasa
Classification: Uncertain significance. Last evaluated: 2025-12-12. Review status: criteria provided, single submitter. Criteria: DASA Assertion Criteria. Collection method: clinical testing. Allele origin: germline.
Comment: NM_005121.3(MED13):c.5009T>G (p.Phe1670Cys) is a missense variant that results in the substitution of phenylalanine with cysteine. This variant is absent from population databases. The currently available literature and clinical evidence are not sufficient to establish a definitive association between this variant and the reported condition. Therefore, this variant is classified as a variant of uncertain significance.

NM_005121.3(MED13):c.5009T>G (p.Phe1670Cys)

Gene: MED13 (mediator complex subunit 13; minus strand). Cytogenetic location: 17q23.2.
Variant type: single nucleotide variant.
Coding change: c.5009T>G on transcript NM_005121.3 (MANE Select); coding-DNA position 5009, T replaced by G.
Protein change: p.Phe1670Cys; replaces phenylalanine 1670 with cysteine.
Molecular consequence: missense variant.
Genome position (GRCh38, 1-based): chr17:61,962,807, A>C on the plus strand (T>G on the coding strand, the complement: MED13 is on the minus strand). VCF-style: chr17-61962807-A-C. GRCh37 (hg19) VCF-style: chr17-60040168-A-C.
Other names: short protein forms F1670C.
Identifiers: ClinVar variation 5020764 (VCV005020764.1).
Genomic context (GRCh38, chr17:61,962,807, plus strand): 5'-CTTACCTGTACAGAAACAGTACTCTTGATATGAGGAGGAAGAGTCTGGACCATTTCTAGA[A>C]AGCATCGAAGTAGCCCCAATGTCCACACACTAGAAGAGTTAGTGCTCTCGTCTGTATTTT-3'
Protein context (NP_005112.2, residues 1660-1680): SVWTLGLLRC[Phe1670Cys]LEMVQTLPPH